The following is an entry in ClinVar:

ClinVar aggregate classification (germline): Uncertain significance (1 of 4 stars; one submission).

gnomAD v4.1: 2 of 1,613,904 alleles (0.00012%); highest among the groups gnomAD compares: Non-Finnish European, 0.000085%; no homozygotes.

Submission:

Women's Health and Genetics/Laboratory Corporation of America, LabCorp
Classification: Uncertain significance. Last evaluated: 2024-11-11. Review status: criteria provided, single submitter. Criteria: LabCorp Variant Classification Summary - May 2015. Collection method: clinical testing. Allele origin: germline.
Comment: Variant summary: COL4A4 c.605G>T (p.Gly202Val) results in a non-conservative amino acid change located in the Collagen triple helix repeat (IPR008160) of the encoded protein sequence. Five of five in-silico tools predict a damaging effect of the variant on protein function. The variant was absent in 249430 control chromosomes. The available data on variant occurrences in the general population are insufficient to allow any conclusion about variant significance. To our knowledge, no occurrence of c.605G>T in individuals affected with Alport Syndrome, Autosomal Recessive and no experimental evidence demonstrating its impact on protein function have been reported. No submitters have cited clinical-significance assessments for this variant to ClinVar. Based on the evidence outlined above, the variant was classified as uncertain significance.

NM_000092.5(COL4A4):c.605G>T (p.Gly202Val)

Gene: COL4A4 (collagen type IV alpha 4 chain; minus strand). Cytogenetic location: 2q36.3.
Variant type: single nucleotide variant.
Coding change: c.605G>T on transcript NM_000092.5 (MANE Select); coding-DNA position 605, G replaced by T.
Protein change: p.Gly202Val; replaces glycine 202 with valine.
Molecular consequence: missense variant.
Genome position (GRCh38, 1-based): chr2:227,109,276, C>A on the plus strand (G>T on the coding strand, the complement: COL4A4 is on the minus strand). VCF-style: chr2-227109276-C-A. GRCh37 (hg19) VCF-style: chr2-227973992-C-A.
Other names: short protein forms G202V.
Identifiers: ClinVar variation 3629711 (VCV003629711.1).